The following is an entry in ClinVar:

ClinVar aggregate classification (germline): Pathogenic (1 of 4 stars; one submission).

Submission:

GeneDx
Classification: Pathogenic. Last evaluated: 2023-07-11. Review status: criteria provided, single submitter. Criteria: GeneDx Variant Classification Process June 2021. Collection method: clinical testing. Allele origin: germline. Affected: yes.
Comment: Nonsense variant predicted to result in protein truncation or nonsense mediated decay in a gene for which loss of function is a known mechanism of disease; Not observed at significant frequency in large population cohorts (gnomAD); Has not been previously published as pathogenic or benign to our knowledge

NM_170707.4(LMNA):c.1078C>T (p.Gln360Ter)

Gene: LMNA (lamin A/C; plus strand). Cytogenetic location: 1q22.
Variant type: single nucleotide variant.
Coding change: c.1078C>T on transcript NM_170707.4 (MANE Select); coding-DNA position 1078, C replaced by T.
Protein change: p.Gln360Ter; replaces glutamine 360 with a stop codon.
Molecular consequence: nonsense.
Genome position (GRCh38, 1-based): chr1:156,136,042, C>T. VCF-style: chr1-156136042-C-T. GRCh37 (hg19) VCF-style: chr1-156105833-C-T.
Other names: c.742C>T, p.Gln248Ter (NM_001257374.3); c.835C>T, p.Gln279Ter (NM_001282624.2); c.1078C>T, p.Gln360Ter (NM_001282625.2, NM_001282626.2, NM_005572.4 and 1 more transcripts); short protein forms Q360*, Q248*, Q279*.
Identifiers: ClinVar variation 423883 (VCV000423883.3), dbSNP rs1064796677, ClinGen allele CA16617001.